The following is an entry in ClinVar:

NM_001323289.2(CDKL5):c.2608dup (p.Ser870fs)

Gene: CDKL5 (cyclin dependent kinase like 5; plus strand). Cytogenetic location: Xp22.13.
Variant type: Duplication.
Coding change: c.2608dup on transcript NM_001323289.2 (MANE Select); coding-DNA position 2608, one base duplicated (T; older notation c.2608dupT).
Protein change: p.Ser870fs; shifts the reading frame from serine 870.
Molecular consequence: frameshift variant.
Genome position (GRCh38, 1-based): chrX:18,628,482, T duplicated; the last of 2 consecutive T bases (chrX:18,628,481-18,628,482); duplicating either gives the same sequence. VCF-style (leftmost placement, unchanged base first): chrX-18628480-A-AT. GRCh37 (hg19) VCF-style: chrX-18646600-A-AT.
Other names: c.2608dup, p.Ser870fs (NM_001037343.2, NM_003159.3); c.2608_2609insT (NM_003159.2); short protein forms S870fs.
Identifiers: ClinVar variation 156654 (VCV000156654.1), dbSNP rs587783126, ClinGen allele CA294692.

ClinVar aggregate classification (germline): Pathogenic (1 of 4 stars; one submission).

Submission:

GeneDx
Classification: Pathogenic. Last evaluated: 2013-07-16. Review status: criteria provided, single submitter. Criteria: GeneDx Variant Classification (06012015). Collection method: clinical testing. Allele origin: germline. Affected: yes.
Comment: The c.2608_2609insT (aka c.2608dupT) mutation in the CDKL5 gene causes a frameshift starting with codon Serine 870, changes this amino acid to a Phenylalanine residue and creates a premature Stop codon at position 40 of the new reading frame, denoted p.Ser870PhefsX40. This mutation is predicted to cause loss of normal protein function either through protein truncation or nonsense-mediated mRNA decay. The variant is found in INFANT-EPI panel(s).